The following is an entry in ClinVar:

NM_015557.3(CHD5):c.2541T>G (p.Asp847Glu)

Gene: CHD5 (chromodomain helicase DNA binding protein 5; minus strand). Cytogenetic location: 1p36.31.
Variant type: single nucleotide variant.
Coding change: c.2541T>G on transcript NM_015557.3 (MANE Select); coding-DNA position 2541, T replaced by G.
Protein change: p.Asp847Glu; replaces aspartic acid 847 with glutamic acid.
Molecular consequence: missense variant.
Genome position (GRCh38, 1-based): chr1:6,136,761, A>C on the plus strand (T>G on the coding strand, the complement: CHD5 is on the minus strand). VCF-style: chr1-6136761-A-C. GRCh37 (hg19) VCF-style: chr1-6196821-A-C.
Other names: short protein forms D847E.
Identifiers: ClinVar variation 1710622 (VCV001710622.3), dbSNP rs2100852686, ClinGen allele CA338079376.
Genomic context (GRCh38, chr1:6,136,761, plus strand): 5'-TGGGGTCTGGCGGCCAGCGCCACCTACCTTGGACTGGTTGTTCTTGAGGCGGTGGGCCTC[A>C]TCTACCACCAGGCAGGCCCACTCGATGGAGCCCAGGATGGCCTGGTCAATGGTGATGAGC-3'
Protein context (NP_056372.1, residues 837-857): GSIEWACLVV[Asp847Glu]EAHRLKNNQS

ClinVar aggregate classification (germline): Uncertain significance (1 of 4 stars; one submission).

Submission:

GeneDx
Classification: Uncertain significance. Last evaluated: 2024-04-10. Review status: criteria provided, single submitter. Criteria: GeneDx Variant Classification Process June 2021. Collection method: clinical testing. Allele origin: germline. Affected: yes.
Comment: Not observed at significant frequency in large population cohorts (gnomAD); In silico analysis supports that this missense variant has a deleterious effect on protein structure/function; Has not been previously published as pathogenic or benign to our knowledge